The following is an entry in ClinVar:

ClinVar aggregate classification (germline): Uncertain significance (1 of 4 stars; one submission).

Conditions:
T-cell immunodeficiency with epidermodysplasia verruciformis. Identifiers: Orphanet 324294, MedGen C4749500, MONDO:0017925.

Submission:

Labcorp Genetics (formerly Invitae), Labcorp
Classification: Uncertain significance for T-cell immunodeficiency with epidermodysplasia verruciformis. Last evaluated: 2022-05-28. Review status: criteria provided, single submitter. Criteria: Invitae Variant Classification Sherloc (09022015). Collection method: clinical testing. Allele origin: germline.
Comment: In summary, the available evidence is currently insufficient to determine the role of this variant in disease. Therefore, it has been classified as a Variant of Uncertain Significance. Algorithms developed to predict the effect of missense changes on protein structure and function (SIFT, PolyPhen-2, Align-GVGD) all suggest that this variant is likely to be tolerated. This variant has not been reported in the literature in individuals affected with RHOH-related conditions. This variant is not present in population databases (gnomAD no frequency). This sequence change replaces alanine, which is neutral and non-polar, with serine, which is neutral and polar, at codon 64 of the RHOH protein (p.Ala64Ser).

NM_004310.5(RHOH):c.190G>T (p.Ala64Ser)

Gene: RHOH (ras homolog family member H; plus strand). Cytogenetic location: 4p14.
Variant type: single nucleotide variant.
Coding change: c.190G>T on transcript NM_004310.5 (MANE Select); coding-DNA position 190, G replaced by T.
Protein change: p.Ala64Ser; replaces alanine 64 with serine.
Molecular consequence: missense variant.
Genome position (GRCh38, 1-based): chr4:40,243,576, G>T. VCF-style: chr4-40243576-G-T. GRCh37 (hg19) VCF-style: chr4-40245196-G-T.
Other names: c.190G>T, p.Ala64Ser (NM_001278359.2, NM_001278360.2, NM_001278361.2 and 8 more transcripts); short protein forms A64S.
Identifiers: ClinVar variation 1999983 (VCV001999983.4), dbSNP rs2530994750, ClinGen allele CA356782063.